The following is an entry in ClinVar:

NM_152618.3(BBS12):c.1933A>C (p.Ser645Arg)

Gene: BBS12 (Bardet-Biedl syndrome 12; plus strand). Cytogenetic location: 4q27.
Variant type: single nucleotide variant.
Coding change: c.1933A>C on transcript NM_152618.3 (MANE Select); coding-DNA position 1933, A replaced by C.
Protein change: p.Ser645Arg; replaces serine 645 with arginine.
Molecular consequence: missense variant.
Genome position (GRCh38, 1-based): chr4:122,743,825, A>C. VCF-style: chr4-122743825-A-C. GRCh37 (hg19) VCF-style: chr4-123664980-A-C.
Other names: c.1933A>C, p.Ser645Arg (NM_001178007.2); short protein forms S645R.
Identifiers: ClinVar variation 3344949 (VCV003344949.1).
Genomic context (GRCh38, chr4:122,743,825, plus strand): 5'-AATGCCACAGACTCTGGCTCTCCTTCATCTTACATCTTGAATGAATATAGTAAACTAAAT[A>C]GTAGAATTTTTAATTCAGACATTTCAAATAAACTGGAGCAGATTCCGAGAGTTTATGACG-3'
Protein context (NP_689831.2, residues 635-655): YILNEYSKLN[Ser645Arg]RIFNSDISNK

ClinVar aggregate classification (germline): Uncertain significance (0 of 4 stars; one submission).

Conditions:
BBS12-related disorder. Also called: BBS12-related condition.

Submission:

PreventionGenetics, part of Exact Sciences
Classification: Uncertain significance for BBS12-related condition. Last evaluated: 2024-06-06. Review status: no assertion criteria provided. Collection method: clinical testing. Allele origin: germline.
Comment: The BBS12 c.1933A>C variant is predicted to result in the amino acid substitution p.Ser645Arg. To our knowledge, this variant has not been reported in the literature or in a large population database, indicating this variant is rare. At this time, the clinical significance of this variant is uncertain due to the absence of conclusive functional and genetic evidence.